The following is an entry in ClinVar:

ClinVar aggregate classification (germline): Uncertain significance (1 of 4 stars; one submission).

Allele frequency attached by ClinVar (database versions not stated): TOPMed below 0.00001.

Submission:

Labcorp Genetics (formerly Invitae), Labcorp
Classification: Uncertain significance. Last evaluated: 2023-01-22. Review status: criteria provided, single submitter. Criteria: Invitae Variant Classification Sherloc (09022015). Collection method: clinical testing. Allele origin: germline.
Comment: Algorithms developed to predict the effect of missense changes on protein structure and function output the following: SIFT: "Tolerated"; PolyPhen-2: "Benign"; Align-GVGD: "Class C0". The leucine amino acid residue is found in multiple mammalian species, which suggests that this missense change does not adversely affect protein function. This variant has not been reported in the literature in individuals affected with SPPL2A-related conditions. This variant is not present in population databases (gnomAD no frequency). This sequence change replaces phenylalanine, which is neutral and non-polar, with leucine, which is neutral and non-polar, at codon 121 of the SPPL2A protein (p.Phe121Leu). In summary, the available evidence is currently insufficient to determine the role of this variant in disease. Therefore, it has been classified as a Variant of Uncertain Significance.

NM_032802.4(SPPL2A):c.361T>C (p.Phe121Leu)

Gene: SPPL2A (signal peptide peptidase like 2A; minus strand). Cytogenetic location: 15q21.2.
Variant type: single nucleotide variant.
Coding change: c.361T>C on transcript NM_032802.4 (MANE Select); coding-DNA position 361, T replaced by C.
Protein change: p.Phe121Leu; replaces phenylalanine 121 with leucine.
Molecular consequence: missense variant.
Genome position (GRCh38, 1-based): chr15:50,748,202, A>G on the plus strand (T>C on the coding strand, the complement: SPPL2A is on the minus strand). VCF-style: chr15-50748202-A-G. GRCh37 (hg19) VCF-style: chr15-51040399-A-G.
Other names: short protein forms F121L.
Identifiers: ClinVar variation 3018929 (VCV003018929.3), dbSNP rs775471399, ClinGen allele CA7558516.